The following is an entry in ClinVar:

ClinVar aggregate classification (germline): Uncertain significance. Review status: criteria provided, multiple submitters, no conflicts (2 of 4 stars). 2 submissions from 2 submitters: Uncertain significance (2). Last evaluated 2024-12-24.

Allele frequency attached by ClinVar (database versions not stated): gnomAD exomes 0.00002 and 0.00005; gnomAD 0.00003; TOPMed 0.00003; ExAC 0.00006.
gnomAD v4.1: 42 of 1,611,190 alleles (0.0026%); highest among the groups gnomAD compares: Admixed American, 0.005%; no homozygotes.

Submissions (2):

Ambry Genetics
Classification: Uncertain significance. Last evaluated: 2024-12-24. Review status: criteria provided, single submitter. Criteria: Ambry Variant Classification Scheme 2023. Collection method: clinical testing. Allele origin: germline.

Labcorp Genetics (formerly Invitae), Labcorp
Classification: Uncertain significance. Last evaluated: 2022-09-13. Review status: criteria provided, single submitter. Criteria: Invitae Variant Classification Sherloc (09022015). Collection method: clinical testing. Allele origin: germline.
Comment: This sequence change replaces valine, which is neutral and non-polar, with phenylalanine, which is neutral and non-polar, at codon 1365 of the C5 protein (p.Val1365Phe). This variant is present in population databases (rs62640868, gnomAD 0.08%). This variant has not been reported in the literature in individuals affected with C5-related conditions. ClinVar contains an entry for this variant (Variation ID: 1368814). Advanced modeling of protein sequence and biophysical properties (such as structural, functional, and spatial information, amino acid conservation, physicochemical variation, residue mobility, and thermodynamic stability) performed at Invitae indicates that this missense variant is not expected to disrupt C5 protein function. In summary, the available evidence is currently insufficient to determine the role of this variant in disease. Therefore, it has been classified as a Variant of Uncertain Significance.

NM_001735.3(C5):c.4093G>T (p.Val1365Phe)

Gene: C5 (complement C5; minus strand). Cytogenetic location: 9q33.2.
Variant type: single nucleotide variant.
Coding change: c.4093G>T on transcript NM_001735.3 (MANE Select); coding-DNA position 4093, G replaced by T.
Protein change: p.Val1365Phe; replaces valine 1365 with phenylalanine.
Molecular consequence: missense variant.
Genome position (GRCh38, 1-based): chr9:120,970,239, C>A on the plus strand (G>T on the coding strand, the complement: C5 is on the minus strand). VCF-style: chr9-120970239-C-A. GRCh37 (hg19) VCF-style: chr9-123732517-C-A.
Other names: c.4111G>T, p.Val1371Phe (NM_001317163.2); c.4093G>T (NM_001735.2); short protein forms V1365F, V1371F.
Identifiers: ClinVar variation 1368814 (VCV001368814.4), dbSNP rs62640868, ClinGen allele CA5217294.